The following is an entry in ClinVar:

NM_198576.4(AGRN):c.2482C>G (p.Pro828Ala)

Gene: AGRN (agrin; plus strand). Cytogenetic location: 1p36.33.
Variant type: single nucleotide variant.
Coding change: c.2482C>G on transcript NM_198576.4 (MANE Select); coding-DNA position 2482, C replaced by G.
Protein change: p.Pro828Ala; replaces proline 828 with alanine.
Molecular consequence: missense variant.
Genome position (GRCh38, 1-based): chr1:1,045,469, C>G. VCF-style: chr1-1045469-C-G. GRCh37 (hg19) VCF-style: chr1-980849-C-G.
Other names: c.2482C>G, p.Pro828Ala (NM_001305275.2); c.2167C>G, p.Pro723Ala (NM_001364727.2); short protein forms P723A, P828A.
Identifiers: ClinVar variation 2408909 (VCV002408909.5), dbSNP rs773983766, ClinGen allele CA508644.

ClinVar aggregate classification (germline): Uncertain significance. Review status: criteria provided, multiple submitters, no conflicts (2 of 4 stars). 2 submissions from 2 submitters: Uncertain significance (2). Last evaluated 2022-12-21.

Conditions:
Inborn genetic diseases. Identifiers: MedGen C0950123, MeSH D030342.
Congenital myasthenic syndrome 8. Also called: MYASTHENIC SYNDROME, CONGENITAL, DUE TO AGRIN DEFICIENCY; Myasthenic syndrome, congenital, 8, with pre- and postsynaptic defects. Identifiers: Orphanet 590, MedGen C3808739, MONDO:0014052, OMIM 615120.

Allele frequency attached by ClinVar (database versions not stated): TOPMed 0.00002.
gnomAD v4.1: 51 of 1,612,800 alleles (0.0032%); highest among the groups gnomAD compares: Middle Eastern, 0.016%; no homozygotes.

Submissions (2):

Revvity Omics, Revvity
Classification: Uncertain significance for Congenital myasthenic syndrome 8. Last evaluated: 2022-12-21. Review status: criteria provided, single submitter. Criteria: ACMG Guidelines, 2015. Collection method: clinical testing. Allele origin: germline.

Ambry Genetics
Classification: Uncertain significance for Inborn genetic diseases. Last evaluated: 2022-03-04. Review status: criteria provided, single submitter. Criteria: Ambry Variant Classification Scheme 2023. Collection method: clinical testing. Allele origin: germline.
Comment: The c.2482C>G (p.P828A) alteration is located in exon 14 (coding exon 14) of the AGRN gene. This alteration results from a C to G substitution at nucleotide position 2482, causing the proline (P) at amino acid position 828 to be replaced by an alanine (A). Based on data from gnomAD, the G allele has an overall frequency of 0.003% (8/249994) total alleles studied. This amino acid position is highly conserved in available vertebrate species. This alteration is predicted to be tolerated by in silico analysis. Based on insufficient or conflicting evidence, the clinical significance of this alteration remains unclear.